The following is an entry in ClinVar:

ClinVar aggregate classification (germline): Uncertain significance (1 of 4 stars; one submission).

Conditions:
Epilepsy, familial adult myoclonic, 5 (EPEO5). Also called: CORTICAL MYOCLONIC TREMOR WITH EPILEPSY, FAMILIAL, 5. Identifiers: Orphanet 86814, MedGen C3809374, MONDO:0014167, OMIM 615400.

Submission:

Labcorp Genetics (formerly Invitae), Labcorp
Classification: Uncertain significance for Epilepsy, familial adult myoclonic, 5. Last evaluated: 2023-11-12. Review status: criteria provided, single submitter. Criteria: Invitae Variant Classification Sherloc (09022015). Collection method: clinical testing. Allele origin: unknown.
Comment: A copy number gain of the genomic region encompassing the full coding sequence of the CNTN2 gene has been identified. The boundaries of this event are unknown as they extend beyond the assayed region for this gene and therefore may encompass additional genes. As the precise location of this event is unknown, it may be in tandem or it may be located elsewhere in the genome. This variant has not been reported in the literature in individuals affected with CNTN2-related conditions. In summary, the available evidence is currently insufficient to determine the role of this variant in disease. Therefore, it has been classified as a Variant of Uncertain Significance.

NC_000001.10:g.(?_205022314)_(205042893_?)dup

Gene: CNTN2 (contactin 2; plus strand). Cytogenetic location: 1q32.1.
Variant type: Duplication.
Identifiers: ClinVar variation 3247831 (VCV003247831.1).